The following is an entry in ClinVar:

ClinVar aggregate classification (germline): Uncertain significance (1 of 4 stars; one submission).

Submission:

Labcorp Genetics (formerly Invitae), Labcorp
Classification: Uncertain significance. Last evaluated: 2022-12-05. Review status: criteria provided, single submitter. Criteria: Invitae Variant Classification Sherloc (09022015). Collection method: clinical testing. Allele origin: germline.
Comment: This sequence change replaces methionine, which is neutral and non-polar, with arginine, which is basic and polar, at codon 1938 of the CACNA1E protein (p.Met1938Arg). This variant is not present in population databases (gnomAD no frequency). This variant has not been reported in the literature in individuals affected with CACNA1E-related conditions. Advanced modeling of protein sequence and biophysical properties (such as structural, functional, and spatial information, amino acid conservation, physicochemical variation, residue mobility, and thermodynamic stability) performed at Invitae indicates that this missense variant is not expected to disrupt CACNA1E protein function. In summary, the available evidence is currently insufficient to determine the role of this variant in disease. Therefore, it has been classified as a Variant of Uncertain Significance.

NM_001205293.3(CACNA1E):c.5813T>G (p.Met1938Arg)

Gene: CACNA1E (calcium voltage-gated channel subunit alpha1 E; plus strand). Cytogenetic location: 1q25.3.
Variant type: single nucleotide variant.
Coding change: c.5813T>G on transcript NM_001205293.3 (MANE Select); coding-DNA position 5813, T replaced by G.
Protein change: p.Met1938Arg; replaces methionine 1938 with arginine.
Molecular consequence: missense variant.
Genome position (GRCh38, 1-based): chr1:181,790,471, T>G. VCF-style: chr1-181790471-T-G. GRCh37 (hg19) VCF-style: chr1-181759607-T-G.
Other names: c.5813T>G, p.Met1938Arg (NM_000721.4); c.5756T>G, p.Met1919Arg (NM_001205294.2); short protein forms M1938R, M1919R.
Identifiers: ClinVar variation 2818854 (VCV002818854.3), dbSNP rs2529286280, ClinGen allele CA343631925.
Genomic context (GRCh38, chr1:181,790,471, plus strand): 5'-CCTCATTACCTCTGGATTTGACATTGCTTTTCAGGAGTGGCCGGAGTGGATACCCTTCGA[T>G]GAGTCCACTCTCTCCCCAGGATATATTCCAGTTGGCTTGTATGGACCCCGCCGATGACGG-3'
Protein context (NP_001192222.1, residues 1928-1948): GLSGRSGYPS[Met1938Arg]SPLSPQDIFQ